The following is an entry in ClinVar:

NM_000066.4(C8B):c.748A>C (p.Ser250Arg)

Gene: C8B (complement C8 beta chain; minus strand). Cytogenetic location: 1p32.2.
Variant type: single nucleotide variant.
Coding change: c.748A>C on transcript NM_000066.4 (MANE Select); coding-DNA position 748, A replaced by C.
Protein change: p.Ser250Arg; replaces serine 250 with arginine.
Molecular consequence: missense variant.
Genome position (GRCh38, 1-based): chr1:56,949,671, T>G on the plus strand (A>C on the coding strand, the complement: C8B is on the minus strand). VCF-style: chr1-56949671-T-G. GRCh37 (hg19) VCF-style: chr1-57415344-T-G.
Other names: c.748A>C (NM_000066.2); c.592A>C, p.Ser198Arg (NM_001278543.2); c.562A>C, p.Ser188Arg (NM_001278544.2); short protein forms S198R, S188R, S250R.
Identifiers: ClinVar variation 1524489 (VCV001524489.7), dbSNP rs768540351, ClinGen allele CA875867.
Genomic context (GRCh38, chr1:56,949,671, plus strand): 5'-TACTGATGCCAAGTTCAAATATTCCAGGTATTTTAAAACCAAAACTGAAACCAGACTTGC[T>G]TGCCATTTTCTCTGTGACATTGCGTTCAAAATCTGAGTATGATTCATACTCTTTTAATAT-3'
Protein context (NP_000057.3, residues 240-260): FERNVTEKMA[Ser250Arg]KSGFSFGFKI

ClinVar aggregate classification (germline): Uncertain significance. Review status: criteria provided, multiple submitters, no conflicts (2 of 4 stars). 2 submissions from 2 submitters: Uncertain significance (2). Last evaluated 2025-09-10.

Conditions:
Inborn genetic diseases. Identifiers: MedGen C0950123, MeSH D030342.

Allele frequency attached by ClinVar (database versions not stated): ExAC 0.00001; gnomAD exomes 0.00001 and 0.00002; gnomAD 0.00002; TOPMed 0.00002.
gnomAD v4.1: 28 of 1,613,940 alleles (0.0017%); highest among the groups gnomAD compares: Non-Finnish European, 0.0022%; no homozygotes.

Submissions (2):

Ambry Genetics
Classification: Uncertain significance for Inborn genetic diseases. Last evaluated: 2025-09-10. Review status: criteria provided, single submitter. Criteria: Ambry Variant Classification Scheme 2023. Collection method: clinical testing. Allele origin: germline.

Labcorp Genetics (formerly Invitae), Labcorp
Classification: Uncertain significance. Last evaluated: 2021-01-06. Review status: criteria provided, single submitter. Criteria: Invitae Variant Classification Sherloc (09022015). Collection method: clinical testing. Allele origin: germline.
Comment: In summary, the available evidence is currently insufficient to determine the role of this variant in disease. Therefore, it has been classified as a Variant of Uncertain Significance. Algorithms developed to predict the effect of missense changes on protein structure and function (SIFT, PolyPhen-2, Align-GVGD) all suggest that this variant is likely to be tolerated, but these predictions have not been confirmed by published functional studies and their clinical significance is uncertain. This variant has not been reported in the literature in individuals with C8B-related conditions. The frequency data for this variant in the population databases is considered unreliable, as metrics indicate poor data quality at this position in the ExAC database. This sequence change replaces serine with arginine at codon 250 of the C8B protein (p.Ser250Arg). The serine residue is moderately conserved and there is a moderate physicochemical difference between serine and arginine.